The following is an entry in ClinVar:

ClinVar aggregate classification (germline): Likely benign. Review status: criteria provided, multiple submitters, no conflicts (2 of 4 stars). 2 submissions from 2 submitters: Likely benign (2). Last evaluated 2025-07-06.

Conditions:
Early-infantile DEE. Also called: Early infantile epileptic encephalopathy; Ohtahara syndrome; Early infantile epileptic encephalopathy with suppression bursts. Identifiers: Orphanet 1934, MedGen C0393706, MONDO:0800491.

Allele frequency attached by ClinVar (database versions not stated): ExAC 0.00001; gnomAD exomes 0.00001 and 0.00003; gnomAD 0.00003 and 0.00004; TOPMed 0.00004.
gnomAD v4.1: 48 of 1,613,630 alleles (0.003%); highest among the groups gnomAD compares: East Asian, 0.0045%; no homozygotes.

Submissions (2):

Labcorp Genetics (formerly Invitae), Labcorp
Classification: Likely benign for Early-infantile DEE. Last evaluated: 2025-07-06. Review status: criteria provided, single submitter. Criteria: Invitae Variant Classification Sherloc (09022015). Collection method: clinical testing. Allele origin: germline.

GeneDx
Classification: Likely benign. Last evaluated: 2016-05-25. Review status: criteria provided, single submitter. Criteria: GeneDx Variant Classification (06012015). Collection method: clinical testing. Allele origin: germline. Affected: yes.
Comment: This variant is considered likely benign or benign based on one or more of the following criteria: it is a conservative change, it occurs at a poorly conserved position in the protein, it is predicted to be benign by multiple in silico algorithms, and/or has population frequency not consistent with disease.

NM_001165963.4(SCN1A):c.5823G>A (p.Thr1941=)

Genes: SCN1A (sodium voltage-gated channel alpha subunit 1; minus strand), LOC102724058 (uncharacterized LOC102724058; plus strand). Cytogenetic location: 2q24.3.
Variant type: single nucleotide variant.
Coding change: c.5823G>A on transcript NM_001165963.4 (MANE Select); coding-DNA position 5823, G replaced by A.
Protein change: p.Thr1941=; no amino-acid change (threonine 1941 retained).
Molecular consequence: synonymous variant. On other transcripts: non-coding transcript variant (1).
Genome position (GRCh38, 1-based): chr2:165,991,452, C>T on the plus strand (G>A on the coding strand, the complement: SCN1A is on the minus strand). VCF-style: chr2-165991452-C-T. GRCh37 (hg19) VCF-style: chr2-166847962-C-T.
Other names: c.5739G>A, p.Thr1913= (NM_001165964.3, NM_001353957.2, NM_001353958.2); c.5823G>A, p.Thr1941= (NM_001202435.3, NM_001353948.2); c.5790G>A, p.Thr1930= (NM_001353949.2, NM_001353950.2, NM_001353951.2 and 2 more transcripts); c.5787G>A, p.Thr1929= (NM_001353954.2, NM_001353955.2); c.5736G>A, p.Thr1912= (NM_001353960.2); c.3381G>A, p.Thr1127= (NM_001353961.2).
Identifiers: ClinVar variation 378519 (VCV000378519.9), dbSNP rs754371368, ClinGen allele CA1942638.
Genomic context (GRCh38, chr2:165,991,452, plus strand): 5'-AATTATCATGTCTTCTTTTATAAGAAGATTAGCCCCACCTTTGATTTTGTTTTTATTGTA[C>T]GTAAAGGAAGCTTGTTTTACAGTTCGCTTTAAAAGGTGGCGTCTGTAAGCACGCTGAATA-3'
Protein context (NP_001159435.1, residues 1931-1951): LKRTVKQASF[Thr1941=]YNKNKIKGGA